The following is an entry in ClinVar:

NM_001368397.1(FRMPD4):c.2402G>A (p.Arg801His)

Gene: FRMPD4 (FERM and PDZ domain containing 4; plus strand). Cytogenetic location: Xp22.2.
Variant type: single nucleotide variant.
Coding change: c.2402G>A on transcript NM_001368397.1 (MANE Select); coding-DNA position 2402, G replaced by A.
Protein change: p.Arg801His; replaces arginine 801 with histidine.
Molecular consequence: missense variant.
Genome position (GRCh38, 1-based): chrX:12,716,861, G>A. VCF-style: chrX-12716861-G-A. GRCh37 (hg19) VCF-style: chrX-12734980-G-A.
Other names: c.2513G>A, p.Arg838His (NM_001368395.3, NM_001368398.3); c.2408G>A, p.Arg803His (NM_001368396.3); c.2393G>A, p.Arg798His (NM_001368399.3); c.2282G>A, p.Arg761His (NM_001368400.3); c.2378G>A, p.Arg793His (NM_001368401.1, NM_001368402.3); c.2402G>A, p.Arg801His (NM_014728.3); short protein forms R801H, R803H, R761H, R793H, R798H, R838H.
Identifiers: ClinVar variation 624388 (VCV000624388.43), dbSNP rs772679523, ClinGen allele CA10349451.

ClinVar aggregate classification (germline): Likely benign (1 of 4 stars; one submission).

Allele frequency attached by ClinVar (database versions not stated): gnomAD exomes 0.00003 and 0.00004; ExAC 0.00006.
gnomAD v4.1: 42 of 1,211,669 alleles (0.0035%); highest among the groups gnomAD compares: Middle Eastern, 0.023%; no homozygotes.

Submission:

CeGaT Center for Human Genetics Tuebingen
Classification: Likely benign. Last evaluated: 2023-04-01. Review status: criteria provided, single submitter. Criteria: CeGaT Center For Human Genetics Tuebingen Variant Classification Criteria Version 2. Collection method: clinical testing. Allele origin: germline. Affected: yes. Observed: 3 variant alleles.
Comment: FRMPD4: BP4, BS2